The following is an entry in ClinVar:

NM_002230.4(JUP):c.1624G>A (p.Val542Ile)

Gene: JUP (junction plakoglobin; minus strand). Cytogenetic location: 17q21.2.
Variant type: single nucleotide variant.
Coding change: c.1624G>A on transcript NM_002230.4 (MANE Select); coding-DNA position 1624, G replaced by A.
Protein change: p.Val542Ile; replaces valine 542 with isoleucine.
Molecular consequence: missense variant.
Genome position (GRCh38, 1-based): chr17:41,758,744, C>T on the plus strand (G>A on the coding strand, the complement: JUP is on the minus strand). VCF-style: chr17-41758744-C-T. GRCh37 (hg19) VCF-style: chr17-39914996-C-T.
Other names: c.1624G>A, p.Val542Ile (NM_001352773.2, NM_001352774.2, NM_001352775.2 and 3 more transcripts); short protein forms V542I.
Identifiers: ClinVar variation 851774 (VCV000851774.13), dbSNP rs571375136, ClinGen allele CA8565178.

ClinVar aggregate classification (germline): Conflicting classifications of pathogenicity. Review status: criteria provided, conflicting classifications (1 of 4 stars). 2 submissions from 2 submitters: Uncertain significance (1); Likely benign (1). Last evaluated 2025-12-12.

Conditions:
Cardiovascular phenotype. Identifiers: MedGen CN230736.
Arrhythmogenic right ventricular dysplasia 12. Also called: ARRHYTHMOGENIC RIGHT VENTRICULAR DYSPLASIA, FAMILIAL, 12. Identifiers: MedGen C1969081, MONDO:0012684, OMIM 611528.
Naxos disease (NXD). Also called: PALMOPLANTAR KERATODERMA WITH ARRHYTHMOGENIC RIGHT VENTRICULAR CARDIOMYOPATHY AND WOOLLY HAIR; WOOLLY HAIR, PALMOPLANTAR KERATODERMA, AND CARDIAC ABNORMALITIES; CARDIOMYOPATHY, ARRHYTHMOGENIC RIGHT VENTRICULAR, WITH SKIN, HAIR, AND NAIL ABNORMALITIES; KERATOSIS PALMOPLANTARIS WITH ARRHYTHMOGENIC CARDIOMYOPATHY; MAL DE NAXOS. Identifiers: Orphanet 34217, MedGen C1832600, MONDO:0011017, OMIM 601214.

Allele frequency attached by ClinVar (database versions not stated): TOPMed below 0.00001; ExAC 0.00001; gnomAD 0.00001; gnomAD exomes 0.00001 and 0.00002; 1000 Genomes Project 30x 0.00016; 1000 Genomes Project 0.00020.
gnomAD v4.1: 29 of 1,605,658 alleles (0.0018%); highest among the groups gnomAD compares: African/African-American, 0.004%; no homozygotes.

Submissions (2):

Ambry Genetics
Classification: Likely benign for Cardiovascular phenotype. Last evaluated: 2025-12-12. Review status: criteria provided, single submitter. Criteria: Ambry Variant Classification Scheme 2023. Collection method: clinical testing. Allele origin: germline.

Labcorp Genetics (formerly Invitae), Labcorp
Classification: Uncertain significance for Arrhythmogenic right ventricular dysplasia 12; Naxos disease. Last evaluated: 2025-07-27. Review status: criteria provided, single submitter. Criteria: Invitae Variant Classification Sherloc (09022015). Collection method: clinical testing. Allele origin: germline.
Comment: This sequence change replaces valine, which is neutral and non-polar, with isoleucine, which is neutral and non-polar, at codon 542 of the JUP protein (p.Val542Ile). This variant is present in population databases (rs571375136, gnomAD 0.007%). This variant has not been reported in the literature in individuals affected with JUP-related conditions. ClinVar contains an entry for this variant (Variation ID: 851774). An algorithm developed to predict the effect of missense changes on protein structure and function (PolyPhen-2) suggests that this variant is likely to be tolerated. In summary, the available evidence is currently insufficient to determine the role of this variant in disease. Therefore, it has been classified as a Variant of Uncertain Significance.